The following is an entry in ClinVar:

NM_001365536.1(SCN9A):c.*125C>T

Genes: SCN1A-AS1 (SCN1A and SCN9A antisense RNA 1; plus strand), SCN9A (sodium voltage-gated channel alpha subunit 9; minus strand). Cytogenetic location: 2q24.3.
Variant type: single nucleotide variant.
Coding change: c.*125C>T on transcript NM_001365536.1 (MANE Select); 125 bases downstream of the stop codon, C replaced by T.
Molecular consequence: 3 prime UTR variant.
Genome position (GRCh38, 1-based): chr2:166,198,547, G>A on the plus strand (C>T on the coding strand, the complement: SCN9A is on the minus strand). VCF-style: chr2-166198547-G-A. GRCh37 (hg19) VCF-style: chr2-167055057-G-A.
Other names: c.*125C>T (NM_002977.4).
Identifiers: ClinVar variation 331958 (VCV000331958.6), dbSNP rs200465050, ClinGen allele CA10611239.

ClinVar aggregate classification (germline): Benign. Review status: criteria provided, single submitter (1 of 4 stars). 3 submissions from 1 submitter: Benign (3). Last evaluated 2018-01-12.

Conditions:
Paroxysmal extreme pain disorder (PEXPD). Also called: PAIN, SUBMANDIBULAR, OCULAR, AND RECTAL, WITH FLUSHING; RECTAL PAIN, FAMILIAL; SCN9A Paroxysmal Extreme Pain Disorder (SCN9A-PEPD). Identifiers: Orphanet 46348, MedGen C1833661, MONDO:0008179, OMIM 167400.
Channelopathy-associated congenital insensitivity to pain, autosomal recessive. Also called: Insensitivity to pain, channelopathy-associated; ASYMBOLIA FOR PAIN; CONGENITAL ANALGESIA, AUTOSOMAL RECESSIVE. Identifiers: Orphanet 88642, Orphanet 970, MedGen C1855739, MONDO:0009459, OMIM 243000.
Primary erythromelalgia. Also called: SCN9A Erythromelalgia (SCN9A-EM); primary erythermalgia. Identifiers: Orphanet 306577, Orphanet 90026, MedGen C0014805, MONDO:0007571, OMIM 133020.

Allele frequency attached by ClinVar (database versions not stated): gnomAD 0.00004 and 0.00023; TOPMed 0.00009; gnomAD exomes 0.00050; 1000 Genomes Project 30x 0.00281; 1000 Genomes Project 0.00339.

Submissions (3):

Illumina Laboratory Services, Illumina
Classification: Benign for Channelopathy-associated congenital insensitivity to pain, autosomal recessive. Last evaluated: 2018-01-12. Review status: criteria provided, single submitter. Criteria: ICSL Variant Classification Criteria 13 December 2019. Collection method: clinical testing. Allele origin: germline.
Comment: This variant was observed in the ICSL laboratory as part of a predisposition screen in an ostensibly healthy population. It had not been previously curated by ICSL or reported in the Human Gene Mutation Database (HGMD: prior to June 1st, 2018), and was therefore a candidate for classification through an automated scoring system. Utilizing variant allele frequency, disease prevalence and penetrance estimates, and inheritance mode, an automated score was calculated to assess if this variant is too frequent to cause the disease. Based on the score and internal cut-off values, a variant classified as benign is not then subjected to further curation. The score for this variant resulted in a classification of benign for this disease.

Illumina Laboratory Services, Illumina
Classification: Benign for Paroxysmal extreme pain disorder. Last evaluated: 2018-01-12. Review status: criteria provided, single submitter. Criteria: ICSL Variant Classification Criteria 13 December 2019. Collection method: clinical testing. Allele origin: germline.
Comment: the same text as in the submission from Illumina Laboratory Services, Illumina above.

Illumina Laboratory Services, Illumina
Classification: Benign for Primary erythromelalgia. Last evaluated: 2018-01-12. Review status: criteria provided, single submitter. Criteria: ICSL Variant Classification Criteria 13 December 2019. Collection method: clinical testing. Allele origin: germline.
Comment: the same text as in the submission from Illumina Laboratory Services, Illumina above.